The following is an entry in ClinVar:

ClinVar aggregate classification (germline): Likely benign. Review status: criteria provided, multiple submitters, no conflicts (2 of 4 stars). 2 submissions from 2 submitters: Likely benign (2). Last evaluated 2026-06-25.

Conditions:
NPC1-related disorder. Also called: NPC1-related condition.
Niemann-Pick disease, type C1. Also called: NEUROVISCERAL STORAGE DISEASE WITH VERTICAL SUPRANUCLEAR OPHTHALMOPLEGIA; NIEMANN-PICK DISEASE WITH CHOLESTEROL ESTERIFICATION BLOCK; NIEMANN-PICK DISEASE WITHOUT SPHINGOMYELINASE DEFICIENCY; NIEMANN-PICK DISEASE, CHRONIC NEURONOPATHIC FORM; NIEMANN-PICK DISEASE, VARIANT TYPE C1. Identifiers: Orphanet 646, MedGen C3179455, MONDO:0009757, OMIM 257220.

Allele frequency attached by ClinVar (database versions not stated): gnomAD exomes below 0.00001.
gnomAD v4.1: 2 of 1,613,728 alleles (0.00012%); highest among the groups gnomAD compares: South Asian, 0.0022%; no homozygotes.

Submissions (2):

PreventionGenetics, part of Exact Sciences
Classification: Likely benign for NPC1-related condition. Last evaluated: 2026-06-25. Review status: criteria provided, single submitter. Criteria: ACMG Guidelines, 2015. Collection method: clinical testing. Allele origin: germline.
Comment: This variant is classified as likely benign based on ACMG/AMP sequence variant interpretation guidelines (Richards et al. 2015 PMID: 25741868, with internal and published modifications).

Labcorp Genetics (formerly Invitae), Labcorp
Classification: Likely benign for Niemann-Pick disease, type C1. Last evaluated: 2022-11-28. Review status: criteria provided, single submitter. Criteria: Invitae Variant Classification Sherloc (09022015). Collection method: clinical testing. Allele origin: germline.

NM_000271.5(NPC1):c.1359T>C (p.Ile453=)

Gene: NPC1 (NPC intracellular cholesterol transporter 1; minus strand). Cytogenetic location: 18q11.2.
Variant type: single nucleotide variant.
Coding change: c.1359T>C on transcript NM_000271.5 (MANE Select); coding-DNA position 1359, T replaced by C.
Protein change: p.Ile453=; no amino-acid change (isoleucine 453 retained).
Molecular consequence: synonymous variant.
Genome position (GRCh38, 1-based): chr18:23,554,952, A>G on the plus strand (T>C on the coding strand, the complement: NPC1 is on the minus strand). VCF-style: chr18-23554952-A-G. GRCh37 (hg19) VCF-style: chr18-21134916-A-G.
Other names: c.1359T>C (NM_000271.4).
Identifiers: ClinVar variation 2775698 (VCV002775698.4), dbSNP rs2511276993, ClinGen allele CA503325020.
Genomic context (GRCh38, chr18:23,554,952, plus strand): 5'-TGAAAGAGGGGCCAAGCAGATGTCTTGAAGTGTCACAGTCTCATTGTCATAAGAGGCAGT[A>G]ATGTTTTCGATGGCTATTTGTAAGTCAAGAACCTGAAAGAAGATTTTAAAAATAAGCAAA-3'
Protein context (NP_000262.2, residues 443-463): VLDLQIAIEN[Ile453=]TASYDNETVT